The following is an entry in ClinVar:

NM_033004.4(NLRP1):c.1825A>G (p.Ile609Val)

Gene: NLRP1 (NLR family pyrin domain containing 1; minus strand). Cytogenetic location: 17p13.2.
Variant type: single nucleotide variant.
Coding change: c.1825A>G on transcript NM_033004.4 (MANE Select); coding-DNA position 1825, A replaced by G.
Protein change: p.Ile609Val; replaces isoleucine 609 with valine.
Molecular consequence: missense variant.
Genome position (GRCh38, 1-based): chr17:5,558,871, T>C on the plus strand (A>G on the coding strand, the complement: NLRP1 is on the minus strand). VCF-style: chr17-5558871-T-C. GRCh37 (hg19) VCF-style: chr17-5462191-T-C.
Other names: c.1825A>G, p.Ile609Val (NM_001033053.3, NM_014922.5, NM_033006.4 and 1 more transcripts); short protein forms I609V.
Identifiers: ClinVar variation 1428834 (VCV001428834.6), dbSNP rs1597459148, ClinGen allele CA397384423.

ClinVar aggregate classification (germline): Uncertain significance (1 of 4 stars; one submission).

Allele frequency attached by ClinVar (database versions not stated): gnomAD exomes 0.00001.
gnomAD v4.1: 7 of 1,613,716 alleles (0.00043%); highest among the groups gnomAD compares: Non-Finnish European, 0.00059%; no homozygotes.

Submission:

Labcorp Genetics (formerly Invitae), Labcorp
Classification: Uncertain significance. Last evaluated: 2021-12-08. Review status: criteria provided, single submitter. Criteria: Invitae Variant Classification Sherloc (09022015). Collection method: clinical testing. Allele origin: germline.
Comment: This sequence change replaces isoleucine, which is neutral and non-polar, with valine, which is neutral and non-polar, at codon 609 of the NLRP1 protein (p.Ile609Val). This variant is not present in population databases (gnomAD no frequency). This variant has not been reported in the literature in individuals affected with NLRP1-related conditions. Algorithms developed to predict the effect of missense changes on protein structure and function output the following: SIFT: "Tolerated"; PolyPhen-2: "Benign"; Align-GVGD: "Class C0". The valine amino acid residue is found in multiple mammalian species, which suggests that this missense change does not adversely affect protein function. In summary, the available evidence is currently insufficient to determine the role of this variant in disease. Therefore, it has been classified as a Variant of Uncertain Significance.